The following is an entry in ClinVar:

ClinVar aggregate classification (germline): Likely pathogenic (1 of 4 stars; one submission).

Conditions:
Intellectual disability, X-linked 102 (MRXSSB). Also called: Intellectual developmental disorder, X-linked syndromic, Snijders Blok type. Identifiers: Orphanet 457260, MedGen C5393299, MONDO:0010497, OMIM 300958.

Submission:

Institute of Human Genetics, University of Leipzig Medical Center
Classification: Likely pathogenic for Intellectual disability, X-linked 102. Last evaluated: 2022-05-25. Review status: criteria provided, single submitter. Criteria: ACMG Guidelines, 2015. Collection method: clinical testing. Allele origin: de novo. Affected: yes.
Comment: This variant was identified as de novo (maternity and paternity confirmed)._x000D_ Criteria applied: PS2, PM2_SUP, PP3

NM_001356.5(DDX3X):c.103+6T>G

Gene: DDX3X (DEAD-box helicase 3 X-linked; plus strand). Cytogenetic location: Xp11.4.
Variant type: single nucleotide variant.
Coding change: c.103+6T>G on transcript NM_001356.5 (MANE Select); 6 bases into the intron after coding-DNA position 103, T replaced by G.
Molecular consequence: intron variant.
Genome position (GRCh38, 1-based): chrX:41,337,471, T>G. VCF-style: chrX-41337471-T-G. GRCh37 (hg19) VCF-style: chrX-41196724-T-G.
Other names: c.103+6T>G (NM_001193416.3, NM_001193417.3); c.-1801+6T>G (NM_001363819.1).
Identifiers: ClinVar variation 1342895 (VCV001342895.2), dbSNP rs2147340616, ClinGen allele CA2573055308.
Genomic context (GRCh38, chrX:41,337,471, plus strand): 5'-GCTGGCCTAGACCTGAACTCTTCAGATAATCAGAGTGGAGGAAGTACAGCCAGCAGTAAG[T>G]ACAACATCTTGTGGGTTTATTGAATATTAGAGCTTAACATCTTAAGATTTCATTGGGCTT-3'